The following is an entry in ClinVar:

NM_001384732.1(CPLANE1):c.6650A>G (p.Lys2217Arg)

Gene: CPLANE1 (ciliogenesis and planar polarity effector complex subunit 1; minus strand). Cytogenetic location: 5p13.2.
Variant type: single nucleotide variant.
Coding change: c.6650A>G on transcript NM_001384732.1 (MANE Select); coding-DNA position 6650, A replaced by G.
Protein change: p.Lys2217Arg; replaces lysine 2217 with arginine.
Molecular consequence: missense variant.
Genome position (GRCh38, 1-based): chr5:37,169,374, T>C on the plus strand (A>G on the coding strand, the complement: CPLANE1 is on the minus strand). VCF-style: chr5-37169374-T-C. GRCh37 (hg19) VCF-style: chr5-37169476-T-C.
Other names: c.6650A>G, p.Lys2217Arg (NM_023073.4); short protein forms K2217R.
Identifiers: ClinVar variation 1462154 (VCV001462154.6), dbSNP rs2150938951, ClinGen allele CA359480103.

ClinVar aggregate classification (germline): Uncertain significance (1 of 4 stars; one submission).

Submission:

Labcorp Genetics (formerly Invitae), Labcorp
Classification: Uncertain significance. Last evaluated: 2021-08-18. Review status: criteria provided, single submitter. Criteria: Invitae Variant Classification Sherloc (09022015). Collection method: clinical testing. Allele origin: germline.
Comment: This sequence change replaces lysine with arginine at codon 2217 of the CPLANE1 protein (p.Lys2217Arg). The lysine residue is moderately conserved and there is a small physicochemical difference between lysine and arginine. This variant is not present in population databases (ExAC no frequency). This variant has not been reported in the literature in individuals affected with CPLANE1-related conditions. Advanced modeling of protein sequence and biophysical properties (such as structural, functional, and spatial information, amino acid conservation, physicochemical variation, residue mobility, and thermodynamic stability) performed at Invitae indicates that this missense variant is not expected to disrupt CPLANE1 protein function. In summary, the available evidence is currently insufficient to determine the role of this variant in disease. Therefore, it has been classified as a Variant of Uncertain Significance.